The following is an entry in ClinVar:

NM_001282933.2(ZNF341):c.1600A>G (p.Lys534Glu)

Gene: ZNF341 (zinc finger protein 341; plus strand). Cytogenetic location: 20q11.22.
Variant type: single nucleotide variant.
Coding change: c.1600A>G on transcript NM_001282933.2 (MANE Select); coding-DNA position 1600, A replaced by G.
Protein change: p.Lys534Glu; replaces lysine 534 with glutamic acid.
Molecular consequence: missense variant. On other transcripts: non-coding transcript variant (1).
Genome position (GRCh38, 1-based): chr20:33,770,270, A>G. VCF-style: chr20-33770270-A-G. GRCh37 (hg19) VCF-style: chr20-32358076-A-G.
Other names: c.1330A>G, p.Lys444Glu (NM_001282935.2); c.1579A>G, p.Lys527Glu (NM_032819.5); short protein forms K444E, K527E, K534E.
Identifiers: ClinVar variation 1371591 (VCV001371591.6), dbSNP rs2122705639, ClinGen allele CA408658619.

ClinVar aggregate classification (germline): Uncertain significance (1 of 4 stars; one submission).

Allele frequency attached by ClinVar (database versions not stated): gnomAD exomes 0.00001.
gnomAD v4.1: 16 of 1,606,630 alleles (0.001%); highest among the groups gnomAD compares: Non-Finnish European, 0.0014%; no homozygotes.

Submission:

Labcorp Genetics (formerly Invitae), Labcorp
Classification: Uncertain significance. Last evaluated: 2021-02-12. Review status: criteria provided, single submitter. Criteria: Invitae Variant Classification Sherloc (09022015). Collection method: clinical testing. Allele origin: germline.
Comment: In summary, the available evidence is currently insufficient to determine the role of this variant in disease. Therefore, it has been classified as a Variant of Uncertain Significance. Algorithms developed to predict the effect of missense changes on protein structure and function are either unavailable or do not agree on the potential impact of this missense change (SIFT: "Deleterious"; PolyPhen-2: "Possibly Damaging"; Align-GVGD: "Class C0"). This variant has not been reported in the literature in individuals with ZNF341-related conditions. This variant is not present in population databases (ExAC no frequency). This sequence change replaces lysine with glutamic acid at codon 527 of the ZNF341 protein (p.Lys527Glu). The lysine residue is moderately conserved and there is a small physicochemical difference between lysine and glutamic acid.